The following is an entry in ClinVar:

ClinVar aggregate classification (germline): Benign. Review status: criteria provided, single submitter (1 of 4 stars). 2 submissions from 2 submitters: Benign (1). 1 of the submissions does not count toward it. Last evaluated 2019-12-31.

Conditions:
PLXND1-related disorder. Also called: PLXND1-related condition.

Allele frequency attached by ClinVar (database versions not stated): ESP Exome Variant Server 0.00015; gnomAD 0.00021 and 0.00041; TOPMed 0.00029; gnomAD exomes 0.00077 and 0.00135; 1000 Genomes Project 0.00100; 1000 Genomes Project 30x 0.00125; ExAC 0.00156.
gnomAD v4.1: 1,199 of 1,612,968 alleles (0.074%); highest among the groups gnomAD compares: South Asian, 0.87%; 16 homozygotes.

Submissions (2):

Labcorp Genetics (formerly Invitae), Labcorp
Classification: Benign. Last evaluated: 2019-12-31. Review status: criteria provided, single submitter. Criteria: Invitae Variant Classification Sherloc (09022015). Collection method: clinical testing. Allele origin: germline.

PreventionGenetics, part of Exact Sciences
Classification: Benign for PLXND1-related condition. Last evaluated: 2019-10-25. Review status: no assertion criteria provided. Collection method: clinical testing. Allele origin: germline. Not counted in ClinVar's aggregate classification.
Comment: This variant is classified as benign based on ACMG/AMP sequence variant interpretation guidelines (Richards et al. 2015 PMID: 25741868, with internal and published modifications).

NM_015103.3(PLXND1):c.2548G>A (p.Ala850Thr)

Gene: PLXND1 (plexin D1; minus strand). Cytogenetic location: 3q22.1.
Variant type: single nucleotide variant.
Coding change: c.2548G>A on transcript NM_015103.3 (MANE Select); coding-DNA position 2548, G replaced by A.
Protein change: p.Ala850Thr; replaces alanine 850 with threonine.
Molecular consequence: missense variant.
Genome position (GRCh38, 1-based): chr3:129,574,473, C>T on the plus strand (G>A on the coding strand, the complement: PLXND1 is on the minus strand). VCF-style: chr3-129574473-C-T. GRCh37 (hg19) VCF-style: chr3-129293316-C-T.
Other names: short protein forms A850T.
Identifiers: ClinVar variation 744242 (VCV000744242.6), dbSNP rs199793511, ClinGen allele CA2608976.